The following is an entry in ClinVar:

NM_000540.3(RYR1):c.4791G>C (p.Gln1597His)

Gene: RYR1 (ryanodine receptor 1; plus strand). Cytogenetic location: 19q13.2.
Variant type: single nucleotide variant.
Coding change: c.4791G>C on transcript NM_000540.3 (MANE Select); coding-DNA position 4791, G replaced by C.
Protein change: p.Gln1597His; replaces glutamine 1597 with histidine.
Molecular consequence: missense variant.
Genome position (GRCh38, 1-based): chr19:38,483,373, G>C. VCF-style: chr19-38483373-G-C. GRCh37 (hg19) VCF-style: chr19-38974013-G-C.
Other names: c.4791G>C, p.Gln1597His (NM_001042723.2); short protein forms Q1597H.
Identifiers: ClinVar variation 2435626 (VCV002435626.8), dbSNP rs953128614, ClinGen allele CA308090587.

ClinVar aggregate classification (germline): Uncertain significance. Review status: criteria provided, multiple submitters, no conflicts (2 of 4 stars). 4 submissions from 4 submitters: Uncertain significance (4). Last evaluated 2025-01-29.

Conditions:
Malignant hyperthermia, susceptibility to, 1 (MHS1). Also called: Anesthesia related hyperthermia; Malignant hyperpyrexia; Fulminating hyperpyrexia; Pharmacogenic myopathy; Malignant hyperthermia suceptibility 1; RYR1-Related Malignant Hyperthermia Susceptibility. Identifiers: Orphanet 423, MedGen C2930980, MONDO:0007783, OMIM 145600.
RYR1-related disorder. Also called: RYR1-related disorders; RYR1-related condition. Identifiers: MedGen CN239331.

Allele frequency attached by ClinVar (database versions not stated): gnomAD 0.00001; TOPMed 0.00002.
gnomAD v4.1: 22 of 1,565,092 alleles (0.0014%); highest among the groups gnomAD compares: Non-Finnish European, 0.0019%; no homozygotes.

Submissions (4):

Labcorp Genetics (formerly Invitae), Labcorp
Classification: Uncertain significance for RYR1-related disorder. Last evaluated: 2025-01-29. Review status: criteria provided, single submitter. Criteria: Invitae Variant Classification Sherloc (09022015). Collection method: clinical testing. Allele origin: germline.
Comment: This sequence change replaces glutamine, which is neutral and polar, with histidine, which is basic and polar, at codon 1597 of the RYR1 protein (p.Gln1597His). This variant is present in population databases (no rsID available, gnomAD 0.01%). This variant has not been reported in the literature in individuals affected with RYR1-related conditions. ClinVar contains an entry for this variant (Variation ID: 2435626). Invitae Evidence Modeling of protein sequence and biophysical properties (such as structural, functional, and spatial information, amino acid conservation, physicochemical variation, residue mobility, and thermodynamic stability) indicates that this missense variant is expected to disrupt RYR1 protein function with a positive predictive value of 80%. In summary, the available evidence is currently insufficient to determine the role of this variant in disease. Therefore, it has been classified as a Variant of Uncertain Significance.

All of Us Research Program, National Institutes of Health
Classification: Uncertain significance for Malignant hyperthermia, susceptibility to, 1. Last evaluated: 2024-06-11. Review status: criteria provided, single submitter. Criteria: ACMG Guidelines, 2015. Collection method: clinical testing. Allele origin: germline. Inheritance: Autosomal dominant inheritance. Observed: 5 variant alleles, 5 heterozygotes.
Comment: This missense variant replaces glutamine with histidine at codon 1597 of the RYR1 protein. Computational prediction suggests that this variant may have deleterious impact on protein structure and function (internally defined REVEL score threshold >= 0.7, PMID: 27666373). To our knowledge, functional studies have not been reported for this variant. This variant has not been reported in individuals affected with RYR1-related disorders in the literature. This variant has been identified in 6/206566 chromosomes in the general population by the Genome Aggregation Database (gnomAD). The available evidence is insufficient to determine the role of this variant in disease conclusively. Therefore, this variant is classified as a Variant of Uncertain Significance.

This study involves interpretation of variants in research participants for the purpose of population health screening. Participant phenotype was not available at the time of variant classification. Additional details can be found in publication PMID: 35346344, PMCID: PMC8962531

Color Diagnostics, LLC DBA Color Health
Classification: Uncertain significance for Malignant hyperthermia, susceptibility to, 1. Last evaluated: 2024-02-14. Review status: criteria provided, single submitter. Criteria: ACMG Guidelines, 2015. Collection method: clinical testing. Allele origin: germline.
Comment: This missense variant replaces glutamine with histidine at codon 1597 of the RYR1 protein. Computational prediction suggests that this variant may have deleterious impact on protein structure and function. To our knowledge, functional studies have not been reported for this variant. This variant has not been reported in individuals affected with RYR1-related disorders in the literature. This variant has been identified in 6/206566 chromosomes in the general population by the Genome Aggregation Database (gnomAD). The available evidence is insufficient to determine the role of this variant in disease conclusively. Therefore, this variant is classified as a Variant of Uncertain Significance.

Revvity Omics, Revvity
Classification: Uncertain significance. Last evaluated: 2021-02-09. Review status: criteria provided, single submitter. Criteria: ACMG Guidelines, 2015. Collection method: clinical testing. Allele origin: germline.